The following is an entry in ClinVar:

ClinVar aggregate classification (germline): Conflicting classifications of pathogenicity. Review status: criteria provided, conflicting classifications (1 of 4 stars). 8 submissions from 7 submitters: Uncertain significance (2); Benign (5); Likely benign (1). Last evaluated 2025-12-01.

Conditions:
Inborn genetic diseases. Identifiers: MedGen C0950123, MeSH D030342.
Autosomal recessive nonsyndromic hearing loss 37. Identifiers: Orphanet 90636, MedGen C1843028, MONDO:0011912, OMIM 607821.
Autosomal dominant nonsyndromic hearing loss 22. Also called: DFNA 22; Autosomal dominant nonsyndromic deafness 22. Identifiers: Orphanet 228012, MedGen C2931767, MONDO:0011660, OMIM 606346.

Allele frequency attached by ClinVar (database versions not stated): gnomAD exomes 0.00027 and 0.00065; ExAC 0.00071; 1000 Genomes Project 0.00220; gnomAD 0.00247 and 0.00266; 1000 Genomes Project 30x 0.00265; TOPMed 0.00284; ESP Exome Variant Server 0.00354.
gnomAD v4.1: 776 of 1,614,192 alleles (0.048%); highest among the groups gnomAD compares: African/African-American, 0.94%; 3 homozygotes.

Submissions (8):

Labcorp Genetics (formerly Invitae), Labcorp
Classification: Benign. Last evaluated: 2025-12-01. Review status: criteria provided, single submitter. Criteria: Invitae Variant Classification Sherloc (09022015). Collection method: clinical testing. Allele origin: germline.

Ambry Genetics
Classification: Uncertain significance for Inborn genetic diseases. Last evaluated: 2025-08-13. Review status: criteria provided, single submitter. Criteria: Ambry Variant Classification Scheme 2023. Collection method: clinical testing. Allele origin: germline.

Blueprint Genetics
Classification: Likely benign. Last evaluated: 2024-11-26. Review status: criteria provided, single submitter. Criteria: ACMG Guidelines, 2015. Collection method: clinical testing. Allele origin: germline.

GeneDx
Classification: Benign. Last evaluated: 2020-03-06. Review status: criteria provided, single submitter. Criteria: GeneDx Variant Classification Process June 2021. Collection method: clinical testing. Allele origin: germline. Affected: yes.

Illumina Laboratory Services, Illumina
Classification: Uncertain significance for Autosomal recessive nonsyndromic hearing loss 37. Last evaluated: 2018-01-13. Review status: criteria provided, single submitter. Criteria: ICSL Variant Classification Criteria 13 December 2019. Collection method: clinical testing. Allele origin: germline.

Illumina Laboratory Services, Illumina
Classification: Benign for Autosomal dominant nonsyndromic hearing loss 22. Last evaluated: 2018-01-13. Review status: criteria provided, single submitter. Criteria: ICSL Variant Classification Criteria 13 December 2019. Collection method: clinical testing. Allele origin: germline.
Comment: This variant was observed in the ICSL laboratory as part of a predisposition screen in an ostensibly healthy population. It had not been previously curated by ICSL or reported in the Human Gene Mutation Database (HGMD: prior to June 1st, 2018), and was therefore a candidate for classification through an automated scoring system. Utilizing variant allele frequency, disease prevalence and penetrance estimates, and inheritance mode, an automated score was calculated to assess if this variant is too frequent to cause the disease. Based on the score and internal cut-off values, a variant classified as benign is not then subjected to further curation. The score for this variant resulted in a classification of benign for this disease.

Eurofins Ntd Llc (ga)
Classification: Benign. Last evaluated: 2017-04-26. Review status: criteria provided, single submitter. Criteria: EGL Classification Definitions 2015. Collection method: clinical testing. Allele origin: germline. Observed: 1 variant allele, 1 heterozygote.

Laboratory for Molecular Medicine, Mass General Brigham Personalized Medicine
Classification: Benign. Last evaluated: 2012-04-30. Review status: criteria provided, single submitter. Criteria: LMM Criteria. Collection method: clinical testing. Allele origin: germline. Observed: 5 variant alleles.

NM_004999.4(MYO6):c.3563A>G (p.Lys1188Arg)

Gene: MYO6 (myosin VI; plus strand). Cytogenetic location: 6q14.1.
Variant type: single nucleotide variant.
Coding change: c.3563A>G on transcript NM_004999.4 (MANE Select); coding-DNA position 3563, A replaced by G.
Protein change: p.Lys1188Arg; replaces lysine 1188 with arginine.
Molecular consequence: missense variant. On other transcripts: non-coding transcript variant (1).
Genome position (GRCh38, 1-based): chr6:75,914,186, A>G. VCF-style: chr6-75914186-A-G. GRCh37 (hg19) VCF-style: chr6-76623903-A-G.
Other names: c.3494A>G, p.Lys1165Arg (NM_001300899.2); c.3467A>G, p.Lys1156Arg (NM_001368136.1); c.3524A>G, p.Lys1175Arg (NM_001368137.1); c.3479A>G, p.Lys1160Arg (NM_001368138.1); c.3590A>G, p.Lys1197Arg (NM_001368865.1); c.3563A>G, p.Lys1188Arg (NM_001368866.1); short protein forms K1188R, K1175R, K1156R, K1160R, K1165R, K1197R.
Identifiers: ClinVar variation 45158 (VCV000045158.26), dbSNP rs61734891, ClinGen allele CA135633.